The following is an entry in ClinVar:

NM_001394062.1(MACF1):c.13649A>C (p.Asn4550Thr)

Gene: MACF1 (microtubule actin crosslinking factor 1; plus strand). Cytogenetic location: 1p34.3.
Variant type: single nucleotide variant.
Coding change: c.13649A>C on transcript NM_001394062.1 (MANE Select); coding-DNA position 13649, A replaced by C.
Protein change: p.Asn4550Thr; replaces asparagine 4550 with threonine.
Molecular consequence: missense variant.
Genome position (GRCh38, 1-based): chr1:39,381,953, A>C. VCF-style: chr1-39381953-A-C. GRCh37 (hg19) VCF-style: chr1-39847625-A-C.
Other names: c.7463A>C, p.Asn2488Thr (NM_012090.5); short protein forms N2488T, N4550T.
Identifiers: ClinVar variation 2637345 (VCV002637345.1), dbSNP rs2148558186, ClinGen allele CA339832402.

ClinVar aggregate classification (germline): Uncertain significance (1 of 4 stars; one submission).

Conditions:
MACF1-related disorder. Also called: MACF1-related condition.

Submission:

PreventionGenetics, part of Exact Sciences
Classification: Uncertain significance for MACF1-related condition. Last evaluated: 2022-11-22. Review status: criteria provided, single submitter. Criteria: ACMG Guidelines, 2015. Collection method: clinical testing. Allele origin: germline.
Comment: The MACF1 c.7463A>C variant is predicted to result in the amino acid substitution p.Asn2488Thr. To our knowledge, this variant has not been reported in the literature or in a large population database, indicating this variant is rare. At this time, the clinical significance of this variant is uncertain due to the absence of conclusive functional and genetic evidence.